The following is an entry in ClinVar:

NM_030787.4(CFHR5):c.507C>T (p.Asp169=)

Gene: CFHR5 (complement factor H related 5; plus strand). Cytogenetic location: 1q31.3.
Variant type: single nucleotide variant.
Coding change: c.507C>T on transcript NM_030787.4 (MANE Select); coding-DNA position 507, C replaced by T.
Protein change: p.Asp169=; no amino-acid change (aspartic acid 169 retained).
Molecular consequence: synonymous variant.
Genome position (GRCh38, 1-based): chr1:196,994,156, C>T. VCF-style: chr1-196994156-C-T. GRCh37 (hg19) VCF-style: chr1-196963286-C-T.
Other names: p.Asp169=.
Identifiers: ClinVar variation 294542 (VCV000294542.19), dbSNP rs34533956, ClinGen allele CA1307766.

ClinVar aggregate classification (germline): Benign/Likely benign. Review status: criteria provided, multiple submitters, no conflicts (2 of 4 stars). 8 submissions from 8 submitters: Benign (6); Likely benign (2). Last evaluated 2026-01-22.

Conditions:
CFH-Related Dense Deposit Disease / Membranoproliferative Glomerulonephritis Type II. Identifiers: MedGen CN071292.
CFHR5 deficiency. Identifiers: MedGen C3553720.

Allele frequency attached by ClinVar (database versions not stated): gnomAD exomes 0.00449; ExAC 0.00498; gnomAD 0.01409 and 0.01500; 1000 Genomes Project 30x 0.01530; 1000 Genomes Project 0.01538; TOPMed 0.01609; ESP Exome Variant Server 0.01776.
gnomAD v4.1: 5,140 of 1,612,994 alleles (0.32%); highest among the groups gnomAD compares: African/African-American, 4.7%; 94 homozygotes.

Submissions (8):

Labcorp Genetics (formerly Invitae), Labcorp
Classification: Benign. Last evaluated: 2026-01-22. Review status: criteria provided, single submitter. Criteria: Invitae Variant Classification Sherloc (09022015). Collection method: clinical testing. Allele origin: germline.

Blueprint Genetics
Classification: Likely benign. Last evaluated: 2024-11-01. Review status: criteria provided, single submitter. Criteria: ACMG Guidelines, 2015. Collection method: clinical testing. Allele origin: germline.

Genome-Nilou Lab
Classification: Benign for C3 glomerulonephritis. Last evaluated: 2023-04-11. Review status: criteria provided, single submitter. Criteria: ACMG Guidelines, 2015. Collection method: clinical testing. Allele origin: germline. Affected: no.

Mayo Clinic Laboratories, Mayo Clinic
Classification: Benign. Last evaluated: 2022-09-22. Review status: criteria provided, single submitter. Criteria: ACMG Guidelines, 2015. Collection method: clinical testing. Allele origin: germline. Observed: 93 variant alleles.
Comment: BA1

Fulgent Genetics
Classification: Likely benign for C3 glomerulonephritis. Last evaluated: 2021-09-27. Review status: criteria provided, single submitter. Criteria: ACMG Guidelines, 2015. Collection method: clinical testing. Allele origin: unknown.

Women's Health and Genetics/Laboratory Corporation of America, LabCorp
Classification: Benign. Last evaluated: 2021-07-08. Review status: criteria provided, single submitter. Criteria: LabCorp Variant Classification Summary - May 2015. Collection method: clinical testing. Allele origin: germline.

Illumina Laboratory Services, Illumina
Classification: Benign for Membranoproliferative glomerulonephritis with complement factor h deficiency. Last evaluated: 2018-01-12. Review status: criteria provided, single submitter. Criteria: ICSL Variant Classification Criteria 13 December 2019. Collection method: clinical testing. Allele origin: germline.
Comment: This variant was observed in the ICSL laboratory as part of a predisposition screen in an ostensibly healthy population. It had not been previously curated by ICSL or reported in the Human Gene Mutation Database (HGMD: prior to June 1st, 2018), and was therefore a candidate for classification through an automated scoring system. Utilizing variant allele frequency, disease prevalence and penetrance estimates, and inheritance mode, an automated score was calculated to assess if this variant is too frequent to cause the disease. Based on the score and internal cut-off values, a variant classified as benign is not then subjected to further curation. The score for this variant resulted in a classification of benign for this disease.

Breakthrough Genomics
Classification: Benign. Review status: criteria provided, single submitter. Criteria: ACMG Guidelines, 2015. Collection method: not provided. Allele origin: germline. Inheritance: Autosomal dominant inheritance. Affected: yes.